The following is an entry in ClinVar:

ClinVar aggregate classification (germline): Benign/Likely benign. Review status: criteria provided, multiple submitters, no conflicts (2 of 4 stars). 4 submissions from 4 submitters: Benign (1); Likely benign (3). Last evaluated 2024-03-27.

Conditions:
Classic or attenuated familial adenomatous polyposis. Identifiers: MedGen CN372698, MONDO:0021057.
Hereditary cancer-predisposing syndrome. Also called: Neoplastic Syndromes, Hereditary; Tumor predisposition; Hereditary neoplastic syndrome; Hereditary Cancer Syndrome. Identifiers: Orphanet 140162, MedGen C0027672, MeSH D009386, MONDO:0015356.
Familial adenomatous polyposis 1 (FAP1). Also called: POLYPOSIS, ADENOMATOUS INTESTINAL; FAMILIAL ADENOMATOUS POLYPOSIS 1, ATTENUATED. Identifiers: MedGen C2713442, MONDO:0021056, OMIM 175100. Disease mechanism: loss of function.

Submissions (4):

Myriad Genetics, Inc.
Classification: Benign for Familial adenomatous polyposis 1. Last evaluated: 2024-03-27. Review status: criteria provided, single submitter. Criteria: Myriad Autosomal Dominant, Autosomal Recessive and X-Linked Classification Criteria (2023). Collection method: clinical testing. Allele origin: unknown.
Comment: This variant is considered benign. This variant is a silent/synonymous amino acid change and it is not expected to impact splicing.

Labcorp Genetics (formerly Invitae), Labcorp
Classification: Likely benign for Familial adenomatous polyposis 1. Last evaluated: 2024-03-26. Review status: criteria provided, single submitter. Criteria: Invitae Variant Classification Sherloc (09022015). Collection method: clinical testing. Allele origin: germline.

All of Us Research Program, National Institutes of Health
Classification: Likely benign for Classic or attenuated familial adenomatous polyposis. Last evaluated: 2023-06-26. Review status: criteria provided, single submitter. Criteria: ACMG Guidelines, 2015. Collection method: clinical testing. Allele origin: germline. Inheritance: Autosomal dominant inheritance. Observed: 2 variant alleles, 2 heterozygotes.
Comment: This study involves interpretation of variants in research participants for the purpose of population health screening. Participant phenotype was not available at the time of variant classification. Additional details can be found in publication PMID: 35346344, PMCID: PMC8962531

Ambry Genetics
Classification: Likely benign for Hereditary cancer-predisposing syndrome. Last evaluated: 2019-11-26. Review status: criteria provided, single submitter. Criteria: Ambry Variant Classification Scheme 2023. Collection method: clinical testing. Allele origin: germline.

NM_000038.6(APC):c.4710T>C (p.Asp1570=)

Gene: APC (APC regulator of Wnt signaling pathway; plus strand). Cytogenetic location: 5q22.2.
Variant type: single nucleotide variant.
Coding change: c.4710T>C on transcript NM_000038.6 (MANE Select); coding-DNA position 4710, T replaced by C.
Protein change: p.Asp1570=; no amino-acid change (aspartic acid 1570 retained).
Molecular consequence: synonymous variant.
Genome position (GRCh38, 1-based): chr5:112,840,304, T>C. VCF-style: chr5-112840304-T-C. GRCh37 (hg19) VCF-style: chr5-112176001-T-C.
Other names: c.4710T>C, p.Asp1570= (NM_001127510.3, NM_001354895.2); c.4656T>C, p.Asp1552= (NM_001127511.3); c.4764T>C, p.Asp1588= (NM_001354896.2); c.4740T>C, p.Asp1580= (NM_001354897.2); c.4635T>C, p.Asp1545= (NM_001354898.2); c.4626T>C, p.Asp1542= (NM_001354899.2); c.4587T>C, p.Asp1529= (NM_001354900.2); c.4533T>C, p.Asp1511= (NM_001354901.2); and 5 more.
Identifiers: ClinVar variation 825117 (VCV000825117.15), dbSNP rs201764198, ClinGen allele CA125167787.